The following is an entry in ClinVar:

NM_000392.5(ABCC2):c.1261G>A (p.Val421Met)

Gene: ABCC2 (ATP binding cassette subfamily C member 2; plus strand). Cytogenetic location: 10q24.2.
Variant type: single nucleotide variant.
Coding change: c.1261G>A on transcript NM_000392.5 (MANE Select); coding-DNA position 1261, G replaced by A.
Protein change: p.Val421Met; replaces valine 421 with methionine.
Molecular consequence: missense variant.
Genome position (GRCh38, 1-based): chr10:99,804,070, G>A. VCF-style: chr10-99804070-G-A. GRCh37 (hg19) VCF-style: chr10-101563827-G-A.
Other names: c.1261G>A, p.Val421Met (LRG_1208t1); c.1261G>A (NM_000392.4); short protein forms V421M.
Identifiers: ClinVar variation 594058 (VCV000594058.8), dbSNP rs1564676980, ClinGen allele CA378106977.

ClinVar aggregate classification (germline): Uncertain significance. Review status: criteria provided, multiple submitters, no conflicts (2 of 4 stars). 3 submissions from 3 submitters: Uncertain significance (3). Last evaluated 2025-08-12.

Conditions:
ABCC2-related disorder. Also called: ABCC2-related condition.

Allele frequency attached by ClinVar (database versions not stated): gnomAD exomes below 0.00001.

Submissions (3):

PreventionGenetics, part of Exact Sciences
Classification: Uncertain significance for ABCC2-related condition. Last evaluated: 2025-08-12. Review status: criteria provided, single submitter. Criteria: ACMG Guidelines, 2015. Collection method: clinical testing. Allele origin: germline.
Comment: The ABCC2 c.1261G>A variant is predicted to result in the amino acid substitution p.Val421Met. To our knowledge, this variant has not been reported in the literature or in a large population database (gnomAD), indicating this variant is rare. At this time, the clinical significance of this variant is uncertain due to the absence of conclusive functional and genetic evidence.

Blueprint Genetics
Classification: Uncertain significance. Last evaluated: 2022-08-25. Review status: criteria provided, single submitter. Criteria: ACMG Guidelines, 2015. Collection method: clinical testing. Allele origin: germline.

Eurofins Ntd Llc (ga)
Classification: Uncertain significance. Last evaluated: 2017-09-12. Review status: criteria provided, single submitter. Criteria: EGL Classification Definitions 2015. Collection method: clinical testing. Allele origin: germline. Observed: 1 variant allele, 1 heterozygote.